The following is an entry in ClinVar:

NM_001127222.2(CACNA1A):c.3809C>T (p.Ala1270Val)

Gene: CACNA1A (calcium voltage-gated channel subunit alpha1 A; minus strand). Cytogenetic location: 19p13.13.
Variant type: single nucleotide variant.
Coding change: c.3809C>T on transcript NM_001127222.2 (MANE Select); coding-DNA position 3809, C replaced by T.
Protein change: p.Ala1270Val; replaces alanine 1270 with valine.
Molecular consequence: missense variant.
Genome position (GRCh38, 1-based): chr19:13,283,280, G>A on the plus strand (C>T on the coding strand, the complement: CACNA1A is on the minus strand). VCF-style: chr19-13283280-G-A. GRCh37 (hg19) VCF-style: chr19-13394094-G-A.
Other names: c.3821C>T, p.Ala1274Val (NM_000068.4, NM_023035.3); c.3812C>T, p.Ala1271Val (NM_001127221.2, NM_001174080.2); short protein forms A1270V, A1271V, A1274V.
Identifiers: ClinVar variation 4883642 (VCV004883642.3).

ClinVar aggregate classification (germline): Uncertain significance. Review status: criteria provided, multiple submitters, no conflicts (2 of 4 stars). 2 submissions from 2 submitters: Uncertain significance (2). Last evaluated 2026-02-25.

gnomAD v4.1: 1 of 1,614,004 alleles (0.000062%); highest among the groups gnomAD compares: Non-Finnish European, 0.000085%; no homozygotes.

Submissions (2):

GeneDx
Classification: Uncertain significance. Last evaluated: 2026-02-25. Review status: criteria provided, single submitter. Criteria: GeneDx Variant Classification Process June 2021. Collection method: clinical testing. Allele origin: germline.
Comment: Not observed at significant frequency in large population cohorts (gnomAD); In silico analysis supports that this missense variant has a deleterious effect on protein structure/function; Has not been previously published as pathogenic or benign to our knowledge

Dasa
Classification: Uncertain significance. Last evaluated: 2025-05-20. Review status: criteria provided, single submitter. Criteria: DASA Assertion Criteria. Collection method: clinical testing. Allele origin: germline.
Comment: NM_001127222.2(CACNA1A):c.3809C>T (p.Ala1270Val) is a missense variant that results in the substitution of alanine with valine. This variant is rare in population databases. The currently available literature and clinical evidence are not sufficient to establish a definitive association between this variant and the reported condition. Therefore, this variant is classified as a variant of uncertain significance.